The following is an entry in ClinVar:

ClinVar aggregate classification (germline): Likely benign (1 of 4 stars; one submission).

Allele frequency attached by ClinVar (database versions not stated): gnomAD exomes below 0.00001; gnomAD 0.00030.
gnomAD v4.1: 24 of 1,112,734 alleles (0.0022%); highest among the groups gnomAD compares: African/African-American, 0.019%; no homozygotes.

Submission:

CeGaT Center for Human Genetics Tuebingen
Classification: Likely benign. Last evaluated: 2025-03-01. Review status: criteria provided, single submitter. Criteria: CeGaT Center For Human Genetics Tuebingen Variant Classification Criteria Version 2. Collection method: clinical testing. Allele origin: germline. Affected: yes. Observed: 2 variant alleles.
Comment: BRD4: BP4, BP7

NM_001379291.1(BRD4):c.780A>C (p.Pro260=)

Gene: BRD4 (bromodomain containing 4; minus strand). Cytogenetic location: 19p13.12.
Variant type: single nucleotide variant.
Coding change: c.780A>C on transcript NM_001379291.1 (MANE Select); coding-DNA position 780, A replaced by C.
Protein change: p.Pro260=; no amino-acid change (proline 260 retained).
Molecular consequence: synonymous variant.
Genome position (GRCh38, 1-based): chr19:15,265,423, T>G on the plus strand (A>C on the coding strand, the complement: BRD4 is on the minus strand). VCF-style: chr19-15265423-T-G. GRCh37 (hg19) VCF-style: chr19-15376234-T-G.
Other names: c.780A>C, p.Pro260= (NM_001330384.2, NM_001379292.1, NM_014299.3 and 1 more transcripts).
Identifiers: ClinVar variation 2649487 (VCV002649487.24), dbSNP rs1449267256, ClinGen allele CA505808757.